The following is an entry in ClinVar:

NM_000501.4(ELN):c.1858+4A>G

Gene: ELN (elastin; plus strand). Cytogenetic location: 7q11.23.
Variant type: single nucleotide variant.
Coding change: c.1858+4A>G on transcript NM_000501.4 (MANE Select); 4 bases into the intron after coding-DNA position 1858, A replaced by G.
Molecular consequence: intron variant.
Genome position (GRCh38, 1-based): chr7:74,063,228, A>G. VCF-style: chr7-74063228-A-G. GRCh37 (hg19) VCF-style: chr7-73477558-A-G.
Other names: c.1873+4A>G (NM_001081754.3); c.1816+4A>G (NM_001081753.3); c.2044+4A>G (NM_001278939.2); c.1876+4A>G (NM_001278915.2); c.1858+4A>G (NM_001278912.2); c.1801+4A>G (NM_001081755.3); c.1714+4A>G (NM_001278916.2); c.1615+4A>G (NM_001278913.2); and 4 more.
Identifiers: ClinVar variation 3666294 (VCV003666294.2).

ClinVar aggregate classification (germline): Uncertain significance (1 of 4 stars; one submission).

Conditions:
Supravalvar aortic stenosis (SVAS). Also called: Supravalvar aortic stenosis, Eisenberg type. Identifiers: Orphanet 3193, MedGen C0003499, MONDO:0008504, OMIM 185500, HP:0004381.

gnomAD v4.1: 3 of 1,605,862 alleles (0.00019%); highest among the groups gnomAD compares: Non-Finnish European, 0.00025%; no homozygotes.

Submission:

Labcorp Genetics (formerly Invitae), Labcorp
Classification: Uncertain significance for Supravalvar aortic stenosis. Last evaluated: 2024-03-20. Review status: criteria provided, single submitter. Criteria: Invitae Variant Classification Sherloc (09022015). Collection method: clinical testing. Allele origin: germline.
Comment: This sequence change falls in intron 28 of the ELN gene. It does not directly change the encoded amino acid sequence of the ELN protein. It affects a nucleotide within the consensus splice site. This variant is not present in population databases (gnomAD no frequency). This variant has not been reported in the literature in individuals affected with ELN-related conditions. Variants that disrupt the consensus splice site are a relatively common cause of aberrant splicing (PMID: 17576681, 9536098). Algorithms developed to predict the effect of sequence changes on RNA splicing suggest that this variant may disrupt the consensus splice site. In summary, the available evidence is currently insufficient to determine the role of this variant in disease. Therefore, it has been classified as a Variant of Uncertain Significance.

Literature cited by the submitters: PubMed 17576681; PubMed 9536098.